The following is an entry in ClinVar:

NM_014585.6(SLC40A1):c.1111C>T (p.Arg371Trp)

Gene: SLC40A1 (solute carrier family 40 member 1; minus strand). Cytogenetic location: 2q32.2.
Variant type: single nucleotide variant.
Coding change: c.1111C>T on transcript NM_014585.6 (MANE Select); coding-DNA position 1111, C replaced by T.
Protein change: p.Arg371Trp; replaces arginine 371 with tryptophan.
Molecular consequence: missense variant.
Genome position (GRCh38, 1-based): chr2:189,563,875, G>A on the plus strand (C>T on the coding strand, the complement: SLC40A1 is on the minus strand). VCF-style: chr2-189563875-G-A. GRCh37 (hg19) VCF-style: chr2-190428601-G-A.
Other names: short protein forms R371W.
Identifiers: ClinVar variation 2038353 (VCV002038353.5), dbSNP rs146240138, ClinGen allele CA2024120.

ClinVar aggregate classification (germline): Likely benign. Review status: criteria provided, multiple submitters, no conflicts (2 of 4 stars). 2 submissions from 2 submitters: Likely benign (2). Last evaluated 2025-12-15.

Conditions:
SLC40A1-related disorder. Also called: SLC40A1-related condition.
Hemochromatosis type 4 (HFE4). Also called: HEMOCHROMATOSIS DUE TO DEFECT IN FERROPORTIN; HEMOCHROMATOSIS, AUTOSOMAL DOMINANT; Ferroportin disease. Identifiers: Orphanet 139491, Orphanet 647834, Orphanet 648562, MedGen C1853733, MONDO:0011631, OMIM 606069.

Allele frequency attached by ClinVar (database versions not stated): TOPMed 0.00050; ESP Exome Variant Server 0.00062; 1000 Genomes Project 30x 0.00078; 1000 Genomes Project 0.00080.

Submissions (2):

Labcorp Genetics (formerly Invitae), Labcorp
Classification: Likely benign for Hemochromatosis type 4. Last evaluated: 2025-12-15. Review status: criteria provided, single submitter. Criteria: Invitae Variant Classification Sherloc (09022015). Collection method: clinical testing. Allele origin: germline.

PreventionGenetics, part of Exact Sciences
Classification: Likely benign for SLC40A1-related condition. Last evaluated: 2025-05-28. Review status: criteria provided, single submitter. Criteria: ACMG Guidelines, 2015. Collection method: clinical testing. Allele origin: germline.
Comment: This variant is classified as likely benign based on ACMG/AMP sequence variant interpretation guidelines (Richards et al. 2015 PMID: 25741868, with internal and published modifications).